The following is an entry in ClinVar:

NM_000228.3(LAMB3):c.1702C>T (p.Gln568Ter)

Gene: LAMB3 (laminin subunit beta 3; minus strand). Cytogenetic location: 1q32.2.
Variant type: single nucleotide variant.
Coding change: c.1702C>T on transcript NM_000228.3 (MANE Select); coding-DNA position 1702, C replaced by T.
Protein change: p.Gln568Ter; replaces glutamine 568 with a stop codon.
Molecular consequence: nonsense.
Genome position (GRCh38, 1-based): chr1:209,625,922, G>A on the plus strand (C>T on the coding strand, the complement: LAMB3 is on the minus strand). VCF-style: chr1-209625922-G-A. GRCh37 (hg19) VCF-style: chr1-209799267-G-A.
Other names: c.1702C>T, p.Gln568Ter (NM_001017402.2, NM_001127641.1); c.1702C>T (NM_000228.2); short protein forms Q568*.
Identifiers: ClinVar variation 1068583 (VCV001068583.11), dbSNP rs1571810782, ClinGen allele CA344589738.

ClinVar aggregate classification (germline): Pathogenic/Likely pathogenic. Review status: criteria provided, multiple submitters, no conflicts (2 of 4 stars). 4 submissions from 4 submitters: Pathogenic (2); Likely pathogenic (1). 1 of the submissions does not count toward it. Last evaluated 2025-12-22.

Conditions:
LAMB3-related disorder. Also called: LAMB3-related condition.
Junctional epidermolysis bullosa gravis of Herlitz. Also called: Epidermolysis Bullosa Letalis; EPIDERMOLYSIS BULLOSA JUNCTIONALIS, HERLITZ TYPE; EPIDERMOLYSIS BULLOSA, JUNCTIONAL, HERLITZ-PEARSON TYPE; EPIDERMOLYSIS BULLOSA, JUNCTIONAL 1B, SEVERE; JEB-HERLITZ TYPE; Herlitz-type junctional epidermolysis bullosa. Identifiers: Orphanet 79404, MedGen C0079683, MONDO:0009182, OMIM 226700.

Allele frequency attached by ClinVar (database versions not stated): gnomAD exomes below 0.00001.
gnomAD v4.1: 1 of 1,613,836 alleles (0.000062%); highest among the groups gnomAD compares: Non-Finnish European, 0.000085%; no homozygotes.

Submissions (4):

Labcorp Genetics (formerly Invitae), Labcorp
Classification: Pathogenic. Last evaluated: 2025-12-22. Review status: criteria provided, single submitter. Criteria: Invitae Variant Classification Sherloc (09022015). Collection method: clinical testing. Allele origin: germline.
Comment: This sequence change creates a premature translational stop signal (p.Gln568*) in the LAMB3 gene. It is expected to result in an absent or disrupted protein product. Loss-of-function variants in LAMB3 are known to be pathogenic (PMID: 11023379, 16473856). This variant is not present in population databases (gnomAD no frequency). This variant has not been reported in the literature in individuals affected with LAMB3-related conditions. ClinVar contains an entry for this variant (Variation ID: 1068583). For these reasons, this variant has been classified as Pathogenic.

GeneDx
Classification: Likely pathogenic. Last evaluated: 2024-11-12. Review status: criteria provided, single submitter. Criteria: GeneDx Variant Classification Process June 2021. Collection method: clinical testing. Allele origin: germline. Affected: yes.
Comment: Nonsense variant predicted to result in protein truncation or nonsense mediated decay in a gene for which loss of function is a known mechanism of disease; Not observed at significant frequency in large population cohorts (gnomAD); Has not been previously published as pathogenic or benign to our knowledge

3billion
Classification: Pathogenic for Junctional epidermolysis bullosa gravis of Herlitz. Last evaluated: 2022-09-01. Review status: criteria provided, single submitter. Criteria: ACMG Guidelines, 2015. Collection method: clinical testing. Allele origin: germline. Affected: yes. Observed: 1 homozygote.
Comment: The variant is not observed in the gnomAD v2.1.1 dataset. Stop-gained (nonsense) is predicted to result in a loss or disruption of normal protein function through nonsense-mediated decay (NMD) or protein truncation. Multiple pathogenic variants are reported downstream of the variant. The variant has been reported to be associated with LAMB3 -related disorder (ClinVar ID: VCV001068583). Therefore, this variant is classified as Pathogenic according to the recommendation of ACMG/AMP guideline.

PreventionGenetics, part of Exact Sciences
Classification: Likely pathogenic for LAMB3-related condition. Last evaluated: 2024-05-01. Review status: no assertion criteria provided. Collection method: clinical testing. Allele origin: germline. Not counted in ClinVar's aggregate classification.
Comment: The LAMB3 c.1702C>T variant is predicted to result in premature protein termination (p.Gln568*). To our knowledge, this variant has not been reported in the literature or in a large population database, indicating this variant is rare. Nonsense variants in LAMB3 are expected to be pathogenic. This variant is interpreted as likely pathogenic.

Literature cited by the submitters: PubMed 11023379 (cited by Labcorp Genetics (formerly Invitae), Labcorp); PubMed 16473856 (cited by Labcorp Genetics (formerly Invitae), Labcorp).